The following is an entry in ClinVar:

NM_020964.3(EPG5):c.2233G>A (p.Ala745Thr)

Gene: EPG5 (ectopic P-granules 5 autophagy tethering factor; minus strand). Cytogenetic location: 18q21.1.
Variant type: single nucleotide variant.
Coding change: c.2233G>A on transcript NM_020964.3 (MANE Select); coding-DNA position 2233, G replaced by A.
Protein change: p.Ala745Thr; replaces alanine 745 with threonine.
Molecular consequence: missense variant.
Genome position (GRCh38, 1-based): chr18:45,934,833, C>T on the plus strand (G>A on the coding strand, the complement: EPG5 is on the minus strand). VCF-style: chr18-45934833-C-T. GRCh37 (hg19) VCF-style: chr18-43514799-C-T.
Other names: c.2233G>A (NM_020964.2); short protein forms A745T.
Identifiers: ClinVar variation 1565165 (VCV001565165.11), dbSNP rs564487069, ClinGen allele CA8949485.
Genomic context (GRCh38, chr18:45,934,833, plus strand): 5'-GGAGAGCTGGACGCCGACTGCTCGGCGGGGCTGTACCTTGGAGCTGCTGCTTGCACTGGG[C>T]GGGCTGCAGGGAGGAGGAGAGCTGCTGCAGGTTCTCGCTCTCCACCTGGTGCATGAGGTA-3'
Protein context (NP_066015.2, residues 735-755): LQQLSSSLQP[Ala745Thr]QCKQQLQDPE

ClinVar aggregate classification (germline): Benign/Likely benign. Review status: criteria provided, multiple submitters, no conflicts (2 of 4 stars). 3 submissions from 3 submitters: Benign (1); Likely benign (2). Last evaluated 2025-11-06.

Conditions:
Vici syndrome (VICIS). Identifiers: Orphanet 1493, MedGen C1855772, MONDO:0009452, OMIM 242840.
EPG5-related disorder. Also called: EPG5-related condition. Identifiers: MedGen CN381528.

Allele frequency attached by ClinVar (database versions not stated): gnomAD 0.00005 and 0.00007; TOPMed 0.00008; ExAC 0.00020; 1000 Genomes Project 30x 0.00031; 1000 Genomes Project 0.00040.
gnomAD v4.1: 160 of 1,613,636 alleles (0.0099%); highest among the groups gnomAD compares: South Asian, 0.14%; 3 homozygotes.

Submissions (3):

Labcorp Genetics (formerly Invitae), Labcorp
Classification: Benign for Vici syndrome. Last evaluated: 2025-11-06. Review status: criteria provided, single submitter. Criteria: Invitae Variant Classification Sherloc (09022015). Collection method: clinical testing. Allele origin: germline.

PreventionGenetics, part of Exact Sciences
Classification: Likely benign for EPG5-related condition. Last evaluated: 2025-07-23. Review status: criteria provided, single submitter. Criteria: ACMG Guidelines, 2015. Collection method: clinical testing. Allele origin: germline.
Comment: This variant is classified as likely benign based on ACMG/AMP sequence variant interpretation guidelines (Richards et al. 2015 PMID: 25741868, with internal and published modifications).

Blueprint Genetics
Classification: Likely benign. Last evaluated: 2024-10-21. Review status: criteria provided, single submitter. Criteria: ACMG Guidelines, 2015. Collection method: clinical testing. Allele origin: germline.